The following is an entry in ClinVar:

ClinVar aggregate classification (germline): Conflicting classifications of pathogenicity. Review status: criteria provided, conflicting classifications (1 of 4 stars). 5 submissions from 5 submitters: Uncertain significance (2); Benign (1); Likely benign (2). Last evaluated 2025-02-28.

Conditions:
Hereditary cancer-predisposing syndrome. Also called: Neoplastic Syndromes, Hereditary; Hereditary neoplastic syndrome; Tumor predisposition; Hereditary Cancer Syndrome. Identifiers: Orphanet 140162, MedGen C0027672, MeSH D009386, MONDO:0015356.
Multiple endocrine neoplasia, type 1 (MEN1). Also called: MEA I; MEN I; WERMER SYNDROME; Endocrine adenomatosis multiple; MEN 1. Identifiers: Orphanet 652, MedGen C0025267, MeSH D018761, MONDO:0007540, OMIM 131100.

Allele frequency attached by ClinVar (database versions not stated): gnomAD exomes 0.00002.
gnomAD v4.1: 29 of 1,602,176 alleles (0.0018%); highest among the groups gnomAD compares: Non-Finnish European, 0.0025%; no homozygotes.

Submissions (5):

Quest Diagnostics Nichols Institute San Juan Capistrano
Classification: Uncertain significance. Last evaluated: 2025-02-28. Review status: criteria provided, single submitter. Criteria: Quest Diagnostics criteria. Collection method: clinical testing. Allele origin: unknown.

Myriad Genetics, Inc.
Classification: Benign for Multiple endocrine neoplasia, type 1. Last evaluated: 2024-10-31. Review status: criteria provided, single submitter. Criteria: Myriad Autosomal Dominant, Autosomal Recessive and X-Linked Classification Criteria (2023). Collection method: clinical testing. Allele origin: unknown.
Comment: This variant is considered benign. This variant is a silent/synonymous amino acid change and it is not expected to impact splicing.

Ambry Genetics
Classification: Likely benign for Hereditary cancer-predisposing syndrome. Last evaluated: 2024-06-09. Review status: criteria provided, single submitter. Criteria: Ambry Variant Classification Scheme 2023. Collection method: clinical testing. Allele origin: germline.

Labcorp Genetics (formerly Invitae), Labcorp
Classification: Likely benign for Multiple endocrine neoplasia, type 1. Last evaluated: 2024-04-16. Review status: criteria provided, single submitter. Criteria: Invitae Variant Classification Sherloc (09022015). Collection method: clinical testing. Allele origin: germline.

All of Us Research Program, National Institutes of Health
Classification: Uncertain significance for Multiple endocrine neoplasia, type 1. Last evaluated: 2023-11-20. Review status: criteria provided, single submitter. Criteria: ACMG Guidelines, 2015. Collection method: clinical testing. Allele origin: germline. Inheritance: Autosomal dominant inheritance. Observed: 1 variant allele, 1 heterozygote.
Comment: This variant is located in the MEN1 protein. To our knowledge, functional studies have not been reported for this variant. This variant has not been reported in individuals affected with MEN1-related disorders in the literature. This variant has not been identified in the general population by the Genome Aggregation Database (gnomAD). The available evidence is insufficient to determine the role of this variant in disease conclusively. Therefore, this variant is classified as a Variant of Uncertain Significance.

This study involves interpretation of variants in research participants for the purpose of population health screening. Participant phenotype was not available at the time of variant classification. Additional details can be found in publication PMID: 35346344, PMCID: PMC8962531

NM_001370259.2(MEN1):c.228C>G (p.Thr76=)

Gene: MEN1 (menin 1; minus strand). Cytogenetic location: 11q13.1.
Variant type: single nucleotide variant.
Coding change: c.228C>G on transcript NM_001370259.2 (MANE Select); coding-DNA position 228, C replaced by G.
Protein change: p.Thr76=; no amino-acid change (threonine 76 retained).
Molecular consequence: synonymous variant.
Genome position (GRCh38, 1-based): chr11:64,809,882, G>C on the plus strand (C>G on the coding strand, the complement: MEN1 is on the minus strand). VCF-style: chr11-64809882-G-C. GRCh37 (hg19) VCF-style: chr11-64577354-G-C.
Other names: c.228C>G, p.Thr76= (NM_000244.4, NM_001370251.2, NM_001370260.2 and 9 more transcripts).
Identifiers: ClinVar variation 844188 (VCV000844188.13), dbSNP rs1394017906, ClinGen allele CA475163794.